The following is an entry in ClinVar:

ClinVar aggregate classification (germline): Uncertain significance (1 of 4 stars; one submission).

Allele frequency attached by ClinVar (database versions not stated): gnomAD exomes below 0.00001; TOPMed below 0.00001.
gnomAD v4.1: 2 of 1,614,136 alleles (0.00012%); highest among the groups gnomAD compares: Non-Finnish European, 0.000085%; no homozygotes.

Submission:

Labcorp Genetics (formerly Invitae), Labcorp
Classification: Uncertain significance. Last evaluated: 2024-01-25. Review status: criteria provided, single submitter. Criteria: Invitae Variant Classification Sherloc (09022015). Collection method: clinical testing. Allele origin: germline.
Comment: This sequence change replaces methionine, which is neutral and non-polar, with threonine, which is neutral and polar, at codon 379 of the SLC1A4 protein (p.Met379Thr). This variant is not present in population databases (gnomAD no frequency). This variant has not been reported in the literature in individuals affected with SLC1A4-related conditions. Advanced modeling of protein sequence and biophysical properties (such as structural, functional, and spatial information, amino acid conservation, physicochemical variation, residue mobility, and thermodynamic stability) has been performed at Invitae for this missense variant, however the output from this modeling did not meet the statistical confidence thresholds required to predict the impact of this variant on SLC1A4 protein function. In summary, the available evidence is currently insufficient to determine the role of this variant in disease. Therefore, it has been classified as a Variant of Uncertain Significance.

NM_003038.5(SLC1A4):c.1136T>C (p.Met379Thr)

Gene: SLC1A4 (solute carrier family 1 member 4; plus strand). Cytogenetic location: 2p14.
Variant type: single nucleotide variant.
Coding change: c.1136T>C on transcript NM_003038.5 (MANE Select); coding-DNA position 1136, T replaced by C.
Protein change: p.Met379Thr; replaces methionine 379 with threonine.
Molecular consequence: missense variant.
Genome position (GRCh38, 1-based): chr2:65,018,172, T>C. VCF-style: chr2-65018172-T-C. GRCh37 (hg19) VCF-style: chr2-65245306-T-C.
Other names: c.242T>C, p.Met81Thr (NM_001193493.2); c.476T>C, p.Met159Thr (NM_001348406.2, NM_001348407.2); short protein forms M81T, M159T, M379T.
Identifiers: ClinVar variation 2759207 (VCV002759207.3), dbSNP rs1674239697, ClinGen allele CA347010100.